The following is an entry in ClinVar:

ClinVar aggregate classification (germline): Pathogenic (1 of 4 stars; one submission).

Conditions:
Giant axonal neuropathy 1 (GAN1). Also called: GIANT AXONAL NEUROPATHY 1, AUTOSOMAL RECESSIVE; GAN-Related Neurodegeneration. Identifiers: Orphanet 643, MedGen C1850386, MONDO:0009749, OMIM 256850.

Submission:

Labcorp Genetics (formerly Invitae), Labcorp
Classification: Pathogenic for Giant axonal neuropathy 1. Last evaluated: 2020-02-16. Review status: criteria provided, single submitter. Criteria: Invitae Variant Classification Sherloc (09022015). Collection method: clinical testing. Allele origin: germline.
Comment: For these reasons, this variant has been classified as Pathogenic. Loss-of-function variants in GAN are known to be pathogenic (PMID: 12655563, 14718689, 23890932). This sequence change creates a premature translational stop signal (p.Asn302*) in the GAN gene. It is expected to result in an absent or disrupted protein product. This variant is not present in population databases (ExAC no frequency). This variant has not been reported in the literature in individuals with GAN-related conditions.

Literature cited by the submitters: PubMed 12655563; PubMed 14718689; PubMed 23890932.

NM_022041.4(GAN):c.902dup (p.Pro301_Asn302insTer)

Gene: GAN (gigaxonin; plus strand). Cytogenetic location: 16q23.2.
Variant type: Duplication.
Coding change: c.902dup on transcript NM_022041.4 (MANE Select); coding-DNA position 902, one base duplicated (C; older notation c.902dupC).
Protein change: p.Pro301_Asn302insTer.
Molecular consequence: frameshift variant.
Genome position (GRCh38, 1-based): chr16:81,357,860, C duplicated; the last of 3 consecutive C bases (chr16:81,357,858-81,357,860); duplicating any one gives the same sequence. VCF-style (leftmost placement, unchanged base first): chr16-81357857-A-AC. GRCh37 (hg19) VCF-style: chr16-81391462-A-AC.
Other names: c.263dup, p.Pro88_Asn89insTer (NM_001377486.1).
Identifiers: ClinVar variation 1069095 (VCV001069095.7), dbSNP rs2150687608, ClinGen allele CA2499223705.
Genomic context (GRCh38, chr16:81,357,857, plus strand): 5'-TTTACTTCCTTAGTTCACGGAAACCCACAGCAGCGATGCGATGCATGTGCCCTCTCTATG[A>AC]CCCTAACAGGCAGCTTTGGATCGAACTGGCCCCTTTAAGCATGCCGAGAATTAACCATGG-3'